The following is an entry in ClinVar:

NM_000478.6(ALPL):c.1487_1528del (p.His496_Gly509del)

Gene: ALPL (alkaline phosphatase, biomineralization associated; plus strand). Cytogenetic location: 1p36.12.
Variant type: Deletion.
Coding change: c.1487_1528del on transcript NM_000478.6 (MANE Select); coding-DNA positions 1487 to 1528, 42 bases deleted.
Protein change: p.His496_Gly509del.
Molecular consequence: inframe deletion.
Genome position (GRCh38, 1-based): chr1:21,577,560-21,577,601, 42 bases deleted; deleting any 42 consecutive bases within chr1:21,577,556-21,577,601 gives the same sequence; the c. name uses the placement nearest the transcript's 3' end. GRCh37 (hg19): chr1:21,904,053-21,904,094.
Other names: c.1322_1363del, p.His441_Gly454del (NM_001127501.4); c.1256_1297del, p.His419_Gly432del (NM_001177520.3); c.1487_1528del, p.His496_Gly509del (NM_001369803.2, NM_001369804.2, NM_001369805.2); c.1487_1528del42 (NM_000478.6).
Identifiers: ClinVar variation 3902541 (VCV003902541.1).

ClinVar aggregate classification (germline): Uncertain significance (1 of 4 stars; one submission).

Submission:

Women's Health and Genetics/Laboratory Corporation of America, LabCorp
Classification: Uncertain significance. Last evaluated: 2025-05-05. Review status: criteria provided, single submitter. Criteria: LabCorp Variant Classification Summary - May 2015. Collection method: clinical testing. Allele origin: germline.
Comment: Variant summary: ALPL c.1487_1528del42 (p.His496_Gly509del) results in an in-frame deletion that is predicted to remove 14 amino acids from the encoded protein. The variant was absent in 240322 control chromosomes. The available data on variant occurrences in the general population are insufficient to allow any conclusion about variant significance. To our knowledge, no occurrence of c.1487_1528del42 in individuals affected with Hypophosphatasia and no experimental evidence demonstrating its impact on protein function have been reported. No submitters have cited clinical-significance assessments for this variant to ClinVar. Based on the evidence outlined above, the variant was classified as uncertain significance.